The following is an entry in ClinVar:

NM_007126.5(VCP):c.2161-9del

Gene: VCP (valosin containing protein; minus strand). Cytogenetic location: 9p13.3.
Variant type: Deletion.
Coding change: c.2161-9del on transcript NM_007126.5 (MANE Select); 9 bases into the intron before coding-DNA position 2161, one base deleted (C; older notation c.2161-9delC).
Molecular consequence: intron variant.
Genome position (GRCh38, 1-based): chr9:35,057,539, G deleted on the plus strand (C on the coding strand, the reverse complement: VCP is on the minus strand); the first of 2 consecutive G bases (chr9:35,057,539-35,057,540); deleting either gives the same sequence. VCF-style (leftmost placement, unchanged base first): chr9-35057538-TG-T. GRCh37 (hg19) VCF-style: chr9-35057535-TG-T.
Other names: c.2026-9del (NM_001354927.2, NM_001354928.2).
Identifiers: ClinVar variation 3354520 (VCV003354520.1).

ClinVar aggregate classification (germline): Likely benign (0 of 4 stars; one submission).

Conditions:
VCP-related disorder. Also called: VCP-related condition; VCP-related disorders.

Submission:

PreventionGenetics, part of Exact Sciences
Classification: Likely benign for VCP-related condition. Last evaluated: 2022-07-26. Review status: no assertion criteria provided. Collection method: clinical testing. Allele origin: germline.
Comment: This variant is classified as likely benign based on ACMG/AMP sequence variant interpretation guidelines (Richards et al. 2015 PMID: 25741868, with internal and published modifications).